The following is an entry in ClinVar:

NM_001160148.2(DDHD1):c.1661G>A (p.Arg554Gln)

Gene: DDHD1 (DDHD domain containing 1; minus strand). Cytogenetic location: 14q22.1.
Variant type: single nucleotide variant.
Coding change: c.1661G>A on transcript NM_001160148.2 (MANE Select); coding-DNA position 1661, G replaced by A.
Protein change: p.Arg554Gln; replaces arginine 554 with glutamine.
Molecular consequence: missense variant.
Genome position (GRCh38, 1-based): chr14:53,063,048, C>T on the plus strand (G>A on the coding strand, the complement: DDHD1 is on the minus strand). VCF-style: chr14-53063048-C-T. GRCh37 (hg19) VCF-style: chr14-53529766-C-T.
Other names: c.1682G>A, p.Arg561Gln (NM_001160147.2); c.1661G>A, p.Arg554Gln (NM_030637.3); c.1661G>A (NM_001160148.1); short protein forms R561Q, R554Q.
Identifiers: ClinVar variation 1519073 (VCV001519073.5), dbSNP rs755789866, ClinGen allele CA7191187.

ClinVar aggregate classification (germline): Uncertain significance. Review status: criteria provided, multiple submitters, no conflicts (2 of 4 stars). 2 submissions from 2 submitters: Uncertain significance (2). Last evaluated 2025-11-03.

Conditions:
Hereditary spastic paraplegia 28. Also called: Spastic paraplegia 28, autosomal recessive. Identifiers: Orphanet 101008, MedGen C1836295, MONDO:0012256, OMIM 609340.
Inborn genetic diseases. Identifiers: MedGen C0950123, MeSH D030342.

Allele frequency attached by ClinVar (database versions not stated): gnomAD 0.00001; TOPMed 0.00003.
gnomAD v4.1: 47 of 1,613,898 alleles (0.0029%); highest among the groups gnomAD compares: African/African-American, 0.0053%; no homozygotes.

Submissions (2):

Labcorp Genetics (formerly Invitae), Labcorp
Classification: Uncertain significance for Hereditary spastic paraplegia 28. Last evaluated: 2025-11-03. Review status: criteria provided, single submitter. Criteria: Invitae Variant Classification Sherloc (09022015). Collection method: clinical testing. Allele origin: germline.
Comment: This sequence change replaces arginine, which is basic and polar, with glutamine, which is neutral and polar, at codon 561 of the DDHD1 protein (p.Arg561Gln). This variant is present in population databases (rs755789866, gnomAD 0.007%). This variant has not been reported in the literature in individuals affected with DDHD1-related conditions. ClinVar contains an entry for this variant (Variation ID: 1519073). Invitae Evidence Modeling of protein sequence and biophysical properties (such as structural, functional, and spatial information, amino acid conservation, physicochemical variation, residue mobility, and thermodynamic stability) indicates that this missense variant is not expected to disrupt DDHD1 protein function with a negative predictive value of 80%. In summary, the available evidence is currently insufficient to determine the role of this variant in disease. Therefore, it has been classified as a Variant of Uncertain Significance.

Ambry Genetics
Classification: Uncertain significance for Inborn genetic diseases. Last evaluated: 2021-10-29. Review status: criteria provided, single submitter. Criteria: Ambry Variant Classification Scheme 2023. Collection method: clinical testing. Allele origin: germline.